The following is an entry in ClinVar:

NM_003072.5(SMARCA4):c.890G>A (p.Ser297Asn)

Gene: SMARCA4 (SWI/SNF related BAF chromatin remodeling complex subunit ATPase 4; plus strand). Cytogenetic location: 19p13.2.
Variant type: single nucleotide variant.
Coding change: c.890G>A on transcript NM_003072.5 (MANE Select); coding-DNA position 890, G replaced by A.
Protein change: p.Ser297Asn; replaces serine 297 with asparagine.
Molecular consequence: missense variant. On other transcripts: non-coding transcript variant (1).
Genome position (GRCh38, 1-based): chr19:10,987,696, G>A. VCF-style: chr19-10987696-G-A. GRCh37 (hg19) VCF-style: chr19-11098372-G-A.
Other names: c.890G>A, p.Ser297Asn (NM_001128844.3, NM_001128845.2, NM_001128846.2 and 4 more transcripts); short protein forms S297N.
Identifiers: ClinVar variation 864767 (VCV000864767.9), dbSNP rs756170542, ClinGen allele CA9203621.
Genomic context (GRCh38, chr19:10,987,696, plus strand): 5'-ATGACGCCCTGGCCCCTTGCCTTCTCCCAGGACCCATGGCGAATGCTGCTGCCCCCACGA[G>A]CACCCCTCAGAAGCTGATTCCCCCGCAGCCAACGGGCCGCCCTTCCCCCGCGCCCCCTGC-3'
Protein context (NP_003063.2, residues 287-307): GPMANAAAPT[Ser297Asn]TPQKLIPPQP

ClinVar aggregate classification (germline): Uncertain significance. Review status: criteria provided, multiple submitters, no conflicts (2 of 4 stars). 3 submissions from 3 submitters: Uncertain significance (3). Last evaluated 2025-09-08.

Conditions:
Hereditary cancer-predisposing syndrome. Also called: Hereditary Cancer Syndrome; Tumor predisposition; Neoplastic Syndromes, Hereditary; Hereditary neoplastic syndrome. Identifiers: Orphanet 140162, MedGen C0027672, MeSH D009386, MONDO:0015356.
Rhabdoid tumor predisposition syndrome 2 (RTPS2). Identifiers: Orphanet 231108, Orphanet 69077, MedGen C2750074, MONDO:0013224, OMIM 613325.

Allele frequency attached by ClinVar (database versions not stated): gnomAD exomes below 0.00001 and 0.00001; ExAC 0.00001.
gnomAD v4.1: 2 of 1,612,596 alleles (0.00012%); highest among the groups gnomAD compares: South Asian, 0.0011%; no homozygotes.

Submissions (3):

Labcorp Genetics (formerly Invitae), Labcorp
Classification: Uncertain significance for Rhabdoid tumor predisposition syndrome 2. Last evaluated: 2025-09-08. Review status: criteria provided, single submitter. Criteria: Invitae Variant Classification Sherloc (09022015). Collection method: clinical testing. Allele origin: germline.
Comment: This sequence change replaces serine, which is neutral and polar, with asparagine, which is neutral and polar, at codon 297 of the SMARCA4 protein (p.Ser297Asn). This variant is present in population databases (rs756170542, gnomAD 0.003%). This variant has not been reported in the literature in individuals affected with SMARCA4-related conditions. ClinVar contains an entry for this variant (Variation ID: 864767). Invitae Evidence Modeling of protein sequence and biophysical properties (such as structural, functional, and spatial information, amino acid conservation, physicochemical variation, residue mobility, and thermodynamic stability) indicates that this missense variant is not expected to disrupt SMARCA4 protein function with a negative predictive value of 95%. In summary, the available evidence is currently insufficient to determine the role of this variant in disease. Therefore, it has been classified as a Variant of Uncertain Significance.

Ambry Genetics
Classification: Uncertain significance for Hereditary cancer-predisposing syndrome. Last evaluated: 2024-08-21. Review status: criteria provided, single submitter. Criteria: Ambry Variant Classification Scheme 2023. Collection method: clinical testing. Allele origin: germline.
Comment: The p.S297N variant (also known as c.890G>A), located in coding exon 5 of the SMARCA4 gene, results from a G to A substitution at nucleotide position 890. The serine at codon 297 is replaced by asparagine, an amino acid with highly similar properties. This amino acid position is conserved. In addition, this alteration is predicted to be tolerated by in silico analysis. Based on the available evidence, the clinical significance of this variant remains unclear.

Baylor Genetics
Classification: Uncertain significance for Rhabdoid tumor predisposition syndrome 2. Last evaluated: 2024-02-11. Review status: criteria provided, single submitter. Criteria: ACMG Guidelines, 2015. Collection method: clinical testing. Allele origin: unknown.